The following is an entry in ClinVar:

ClinVar aggregate classification (germline): Uncertain significance. Review status: criteria provided, single submitter (1 of 4 stars). 3 submissions from 3 submitters: Uncertain significance (1). 2 of the submissions do not count toward it. Last evaluated 2023-11-15.

Conditions:
C1Q deficiency. Identifiers: MedGen C3150902, MONDO:0013343.
C1Q deficiency 3. Identifiers: MedGen C5830423, MONDO:0958188, OMIM 620322.

Allele frequency attached by ClinVar (database versions not stated): ExAC 0.00001; gnomAD exomes 0.00001 and 0.00007; TOPMed 0.00002; gnomAD 0.00003 and 0.00004.
gnomAD v4.1: 101 of 1,614,078 alleles (0.0063%); highest among the groups gnomAD compares: Non-Finnish European, 0.0084%; no homozygotes.

Submissions (3):

Labcorp Genetics (formerly Invitae), Labcorp
Classification: Uncertain significance. Last evaluated: 2023-11-15. Review status: criteria provided, single submitter. Criteria: Invitae Variant Classification Sherloc (09022015). Collection method: clinical testing. Allele origin: germline.
Comment: This sequence change replaces glycine, which is neutral and non-polar, with serine, which is neutral and polar, at codon 164 of the C1QC protein (p.Gly164Ser). This variant is present in population databases (rs752596663, gnomAD 0.004%). This missense change has been observed in individual(s) with C1QC-related conditions (PMID: 24157463). ClinVar contains an entry for this variant (Variation ID: 440743). An algorithm developed to predict the effect of missense changes on protein structure and function (PolyPhen-2) suggests that this variant is likely to be disruptive. In summary, the available evidence is currently insufficient to determine the role of this variant in disease. Therefore, it has been classified as a Variant of Uncertain Significance.

OMIM
Classification: Pathogenic for C1Q DEFICIENCY 3. Last evaluated: 2023-07-31. Review status: no assertion criteria provided. Collection method: literature only. Allele origin: germline. Not counted in ClinVar's aggregate classification.

Biochemical Molecular Genetic Laboratory, King Abdulaziz Medical City
Classification: Pathogenic for C1Q deficiency 1. Last evaluated: 2019-01-29. Review status: no assertion criteria provided. Collection method: clinical testing. Allele origin: germline. Affected: yes. Not counted in ClinVar's aggregate classification.

Literature cited by the submitters: PubMed 24157463 (cited by Labcorp Genetics (formerly Invitae), Labcorp and OMIM); PubMed 7029321 (cited by OMIM).

NM_172369.5(C1QC):c.490G>A (p.Gly164Ser)

Gene: C1QC (complement C1q C chain; plus strand). Cytogenetic location: 1p36.12.
Variant type: single nucleotide variant.
Coding change: c.490G>A on transcript NM_172369.5 (MANE Select); coding-DNA position 490, G replaced by A.
Protein change: p.Gly164Ser; replaces glycine 164 with serine.
Molecular consequence: missense variant.
Genome position (GRCh38, 1-based): chr1:22,647,535, G>A. VCF-style: chr1-22647535-G-A. GRCh37 (hg19) VCF-style: chr1-22974028-G-A.
Other names: C1QC, GLY164SER; c.490G>A (LRG_24t1); c.490G>A, p.Gly164Ser (NM_001114101.3, NM_001347619.2); c.223G>A, p.Gly75Ser (NM_001347620.2); short protein forms G164S, G75S.
Identifiers: ClinVar variation 440743 (VCV000440743.6), dbSNP rs752596663, ClinGen allele CA677990.
Genomic context (GRCh38, chr1:22,647,535, plus strand): 5'-CTCACCAACCCGCAGGGAGATTATGACACGAGCACTGGCAAGTTCACCTGCAAAGTCCCC[G>A]GCCTCTACTACTTTGTCTACCACGCGTCGCATACAGCCAACCTGTGCGTGCTGCTGTACC-3'
Protein context (NP_758957.2, residues 154-174): STGKFTCKVP[Gly164Ser]LYYFVYHASH